The following is an entry in ClinVar:

NM_000260.4(MYO7A):c.*363A>C

Gene: MYO7A (myosin VIIA; plus strand). Cytogenetic location: 11q13.5.
Variant type: single nucleotide variant.
Coding change: c.*363A>C on transcript NM_000260.4 (MANE Select); 363 bases downstream of the stop codon, A replaced by C.
Molecular consequence: 3 prime UTR variant.
Genome position (GRCh38, 1-based): chr11:77,215,059, A>C. VCF-style: chr11-77215059-A-C. GRCh37 (hg19) VCF-style: chr11-76926104-A-C.
Other names: c.*363A>C (NM_001127180.2, NM_001369365.1).
Identifiers: ClinVar variation 306208 (VCV000306208.8), dbSNP rs115872143, ClinGen allele CA10635719.
Genomic context (GRCh38, chr11:77,215,059, plus strand): 5'-CCCACCATGCAACTTCCTTTGACTTTCTGTGTACCACTGGGATAGAGGAATCAAGAGGAC[A>C]ATCTAGCTCTCCATACTTTGAACAACCAAATGTGCATTGAATACTCTGAAACCGAAGGGA-3'

ClinVar aggregate classification (germline): Benign/Likely benign. Review status: criteria provided, multiple submitters, no conflicts (2 of 4 stars). 4 submissions from 2 submitters: Benign (3); Likely benign (1). Last evaluated 2021-05-15.

Conditions:
Autosomal dominant nonsyndromic hearing loss 11. Identifiers: Orphanet 90635, MedGen C1832475, MONDO:0011032, OMIM 601317.
Autosomal recessive nonsyndromic hearing loss 2. Also called: DEAFNESS, AUTOSOMAL RECESSIVE 2; NEUROSENSORY NONSYNDROMIC RECESSIVE DEAFNESS 2. Identifiers: Orphanet 90636, MedGen C1838701, MONDO:0010807, OMIM 600060.
Usher syndrome type 1 (USH1). Also called: RETINITIS PIGMENTOSA AND CONGENITAL DEAFNESS. Identifiers: Orphanet 231169, Orphanet 886, MedGen C1568247, MONDO:0010168, OMIM 276900.

Allele frequency attached by ClinVar (database versions not stated): gnomAD 0.01754 and 0.01894; 1000 Genomes Project 0.01757; 1000 Genomes Project 30x 0.01780; TOPMed 0.01999.
gnomAD v4.1: 2,897 of 247,134 alleles (1.2%); highest among the groups gnomAD compares: African/African-American, 5.9%; 93 homozygotes.

Submissions (4):

GeneDx
Classification: Benign. Last evaluated: 2021-05-15. Review status: criteria provided, single submitter. Criteria: GeneDx Variant Classification Process June 2021. Collection method: clinical testing. Allele origin: germline. Affected: yes.

Illumina Laboratory Services, Illumina
Classification: Benign for Usher syndrome type 1. Last evaluated: 2018-01-12. Review status: criteria provided, single submitter. Criteria: ICSL Variant Classification Criteria 13 December 2019. Collection method: clinical testing. Allele origin: germline.
Comment: This variant was observed in the ICSL laboratory as part of a predisposition screen in an ostensibly healthy population. It had not been previously curated by ICSL or reported in the Human Gene Mutation Database (HGMD: prior to June 1st, 2018), and was therefore a candidate for classification through an automated scoring system. Utilizing variant allele frequency, disease prevalence and penetrance estimates, and inheritance mode, an automated score was calculated to assess if this variant is too frequent to cause the disease. Based on the score and internal cut-off values, a variant classified as benign is not then subjected to further curation. The score for this variant resulted in a classification of benign for this disease.

Illumina Laboratory Services, Illumina
Classification: Likely benign for Autosomal recessive nonsyndromic hearing loss 2. Last evaluated: 2018-01-12. Review status: criteria provided, single submitter. Criteria: ICSL Variant Classification Criteria 13 December 2019. Collection method: clinical testing. Allele origin: germline.
Comment: This variant was observed in the ICSL laboratory as part of a predisposition screen in an ostensibly healthy population. It had not been previously curated by ICSL or reported in the Human Gene Mutation Database (HGMD: prior to June 1st, 2018), and was therefore a candidate for classification through an automated scoring system. Utilizing variant allele frequency, disease prevalence and penetrance estimates, and inheritance mode, an automated score was calculated to assess if this variant is too frequent to cause the disease. Based on the score and internal cut-off values, a variant classified as likely benign is not then subjected to further curation. The score for this variant resulted in a classification of likely benign for this disease.

Illumina Laboratory Services, Illumina
Classification: Benign for Autosomal dominant nonsyndromic hearing loss 11. Last evaluated: 2018-01-12. Review status: criteria provided, single submitter. Criteria: ICSL Variant Classification Criteria 13 December 2019. Collection method: clinical testing. Allele origin: germline.
Comment: the same text as in the submission from Illumina Laboratory Services, Illumina above.